The following is an entry in ClinVar:

ClinVar aggregate classification (germline): Uncertain significance. Review status: criteria provided, single submitter (1 of 4 stars). 2 submissions from 2 submitters: Uncertain significance (1). 1 of the submissions does not count toward it. Last evaluated 2025-10-07.

Conditions:
HEMOGLOBIN OEGSTGEEST.

Allele frequency attached by ClinVar (database versions not stated): gnomAD exomes below 0.00001.
gnomAD v4.1: 1 of 1,613,380 alleles (0.000062%); highest among the groups gnomAD compares: African/African-American, 0.0013%; no homozygotes.

Submissions (2):

Women's Health and Genetics/Laboratory Corporation of America, LabCorp
Classification: Uncertain significance. Last evaluated: 2025-10-07. Review status: criteria provided, single submitter. Criteria: LabCorp Variant Classification Summary - May 2015. Collection method: clinical testing. Allele origin: germline.
Comment: Variant summary: HBA1 c.313T>A (p.Cys105Ser), also known as Hb Oegstgeest, results in a non-conservative amino acid change in the encoded protein sequence. Algorithms developed to predict the effect of missense changes on protein structure and function are either unavailable or do not agree on the potential impact of this missense change. The variant was absent in 248302 control chromosomes. The available data on variant occurrences in the general population are insufficient to allow any conclusion about variant significance. c.313T>A has been observed at a heterozygous state in an individual affected with microcytic hypochromic anemia (Harteveld_2005). These report(s) do not provide unequivocal conclusions about association of the variant with Alpha Thalassemia. One publication reports experimental evidence evaluating an impact on protein function, however, does not allow convincing conclusions about the variant effect (Wajcman_2011). The following publications have been ascertained in the context of this evaluation (PMID: 16114179, 21950764). ClinVar contains an entry for this variant (Variation ID: 15890). Based on the evidence outlined above, the variant was classified as uncertain significance.

OMIM
Classification: other for HEMOGLOBIN OEGSTGEEST. Last evaluated: 2016-07-20. Review status: no assertion criteria provided. Collection method: literature only. Allele origin: germline. Not counted in ClinVar's aggregate classification.

Literature cited by the submitters: PubMed 16114179 (cited by Women's Health and Genetics/Laboratory Corporation of America, LabCorp and OMIM); PubMed 21950764 (cited by Women's Health and Genetics/Laboratory Corporation of America, LabCorp).

NM_000558.3(HBA1):c.313T>A (p.Cys105Ser)

Genes: HBA1 (hemoglobin subunit alpha 1; plus strand), LOC106804613 (hemoglobin subunit alpha 1 recombination region; plus strand). Cytogenetic location: 16p13.3.
Variant type: single nucleotide variant.
Coding change: c.313T>A on transcript NM_000558.3; coding-DNA position 313, T replaced by A.
Protein change: p.Cys105Ser; replaces cysteine 105 with serine.
Molecular consequence: missense variant (on NM_000558.5).
Genome position (GRCh38, 1-based): chr16:177,295, T>A. VCF-style: chr16-177295-T-A. GRCh37 (hg19) VCF-style: chr16-227294-T-A.
Other names: C104S; c.313T>A, p.Cys105Ser (NM_000558.5); short protein forms C105S.
Identifiers: ClinVar variation 15890 (VCV000015890.4), dbSNP rs35059618, ClinGen allele CA126023.